The following is an entry in ClinVar:

ClinVar aggregate classification (germline): Uncertain significance (1 of 4 stars; one submission).

Conditions:
Neuropathy, hereditary motor and sensory, type 6B (HMSN6B). Also called: HMSN VIB; CHARCOT-MARIE-TOOTH DISEASE, TYPE 6B; NEUROPATHY, HEREDITARY MOTOR AND SENSORY, TYPE VIB, WITH OPTIC ATROPHY; Neuropathy, hereditary motor and sensory, type VIB. Identifiers: MedGen C4225302, MONDO:0014671, OMIM 616505.

Allele frequency attached by ClinVar (database versions not stated): gnomAD exomes below 0.00001; TOPMed below 0.00001; ExAC 0.00001; gnomAD 0.00001; 1000 Genomes Project 30x 0.00016; 1000 Genomes Project 0.00020.
gnomAD v4.1: 4 of 1,572,966 alleles (0.00025%); highest among the groups gnomAD compares: Admixed American, 0.004%; no homozygotes.

Submission:

Labcorp Genetics (formerly Invitae), Labcorp
Classification: Uncertain significance for Neuropathy, hereditary motor and sensory, type 6B. Last evaluated: 2022-02-06. Review status: criteria provided, single submitter. Criteria: Invitae Variant Classification Sherloc (09022015). Collection method: clinical testing. Allele origin: germline.
Comment: In summary, the available evidence is currently insufficient to determine the role of this variant in disease. Therefore, it has been classified as a Variant of Uncertain Significance. Algorithms developed to predict the effect of sequence changes on RNA splicing suggest that this variant may create or strengthen a splice site. Algorithms developed to predict the effect of missense changes on protein structure and function (SIFT, PolyPhen-2, Align-GVGD) all suggest that this variant is likely to be tolerated. This variant has not been reported in the literature in individuals affected with SLC25A46-related conditions. This variant is present in population databases (rs550747197, gnomAD 0.008%). This sequence change replaces methionine, which is neutral and non-polar, with valine, which is neutral and non-polar, at codon 214 of the SLC25A46 protein (p.Met214Val).

NM_138773.4(SLC25A46):c.640A>G (p.Met214Val)

Gene: SLC25A46 (solute carrier family 25 member 46; plus strand). Cytogenetic location: 5q22.1.
Variant type: single nucleotide variant.
Coding change: c.640A>G on transcript NM_138773.4 (MANE Select); coding-DNA position 640, A replaced by G.
Protein change: p.Met214Val; replaces methionine 214 with valine.
Molecular consequence: missense variant. On other transcripts: non-coding transcript variant (1).
Genome position (GRCh38, 1-based): chr5:110,756,721, A>G. VCF-style: chr5-110756721-A-G. GRCh37 (hg19) VCF-style: chr5-110092421-A-G.
Other names: c.640A>G, p.Met214Val (NM_001303249.3); c.367A>G, p.Met123Val (NM_001303250.3); short protein forms M123V, M214V.
Identifiers: ClinVar variation 2094323 (VCV002094323.2), dbSNP rs550747197, ClinGen allele CA3364679.